The following is an entry in ClinVar:

NM_018486.3(HDAC8):c.748del (p.Glu250fs)

Gene: HDAC8 (histone deacetylase 8; minus strand). Cytogenetic location: Xq13.1.
Variant type: Deletion.
Coding change: c.748del on transcript NM_018486.3 (MANE Select); coding-DNA position 748, one base deleted (G; older notation c.748delG).
Protein change: p.Glu250fs; shifts the reading frame from glutamic acid 250.
Molecular consequence: frameshift variant. On other transcripts: non-coding transcript variant (1).
Genome position (GRCh38, 1-based): chrX:72,464,721, C deleted on the plus strand (G on the coding strand, the reverse complement: HDAC8 is on the minus strand); the first of 2 consecutive C bases (chrX:72,464,721-72,464,722); deleting either gives the same sequence. VCF-style (leftmost placement, unchanged base first): chrX-72464720-TC-T. GRCh37 (hg19) VCF-style: chrX-71684570-TC-T.
Other names: c.475del, p.Glu159fs (NM_001166418.2); c.747delG, p.Glu250Lysfs (NM_001410725.1, NM_001410729.1); c.669delG, p.Glu224Lysfs (NM_001410727.1); c.474delG, p.Glu159Lysfs (NM_001410728.1); short protein forms E250fs, E159fs.
Identifiers: ClinVar variation 2029945 (VCV002029945.4), dbSNP rs2520419268, ClinGen allele CA2580101366.

ClinVar aggregate classification (germline): Pathogenic (1 of 4 stars; one submission).

Conditions:
Cornelia de Lange syndrome 5 (CDLS5). Also called: HDAC8-Related Cornelia de Lange Syndrome. Identifiers: Orphanet 199, MedGen C3550903, MONDO:0010471, OMIM 300882.

Submission:

Labcorp Genetics (formerly Invitae), Labcorp
Classification: Pathogenic for Cornelia de Lange syndrome 5. Last evaluated: 2022-09-10. Review status: criteria provided, single submitter. Criteria: Invitae Variant Classification Sherloc (09022015). Collection method: clinical testing. Allele origin: germline.
Comment: This variant is not present in population databases (gnomAD no frequency). This variant has not been reported in the literature in individuals affected with HDAC8-related conditions. For these reasons, this variant has been classified as Pathogenic. This sequence change creates a premature translational stop signal (p.Glu250Lysfs*20) in the HDAC8 gene. It is expected to result in an absent or disrupted protein product. Loss-of-function variants in HDAC8 are known to be pathogenic (PMID: 19605684, 22885700, 24403048, 25075551, 26671848).

Literature cited by the submitters: PubMed 19605684; PubMed 22885700; PubMed 24403048; PubMed 25075551; PubMed 26671848.